The following is an entry in ClinVar:

NM_001385079.1(PDE10A):c.2348A>G (p.Lys783Arg)

Gene: PDE10A (phosphodiesterase 10A; minus strand). Cytogenetic location: 6q27.
Variant type: single nucleotide variant.
Coding change: c.2348A>G on transcript NM_001385079.1 (MANE Select); coding-DNA position 2348, A replaced by G.
Protein change: p.Lys783Arg; replaces lysine 783 with arginine.
Molecular consequence: missense variant.
Genome position (GRCh38, 1-based): chr6:165,392,752, T>C on the plus strand (A>G on the coding strand, the complement: PDE10A is on the minus strand). VCF-style: chr6-165392752-T-C. GRCh37 (hg19) VCF-style: chr6-165806241-T-C.
Other names: c.1550A>G, p.Lys517Arg (NM_001130690.3); c.1520A>G, p.Lys507Arg (NM_006661.4); short protein forms K507R, K517R, K783R.
Identifiers: ClinVar variation 4822561 (VCV004822561.4).

ClinVar aggregate classification (germline): Uncertain significance (1 of 4 stars; one submission).

Submission:

CeGaT Center for Human Genetics Tuebingen
Classification: Uncertain significance. Last evaluated: 2026-01-01. Review status: criteria provided, single submitter. Criteria: CeGaT Center For Human Genetics Tuebingen Variant Classification Criteria Version 2. Collection method: clinical testing. Allele origin: germline. Affected: yes. Observed: 1 variant allele.
Comment: PDE10A: PM2, PP3